The following is an entry in ClinVar:

ClinVar aggregate classification (germline): Uncertain significance (1 of 4 stars; one submission).

Conditions:
Bethlem myopathy 1A. Also called: Bethlem myopathy 1; MYOPATHY, BENIGN CONGENITAL, WITH CONTRACTURES; Bethlem Muscular Dystrophy. Identifiers: Orphanet 610, MedGen CN029274, MONDO:0024530, OMIM 158810.

gnomAD v4.1: 15 of 1,612,240 alleles (0.00093%); highest among the groups gnomAD compares: African/African-American, 0.0027%; no homozygotes.

Submission:

Labcorp Genetics (formerly Invitae), Labcorp
Classification: Uncertain significance for Bethlem myopathy 1A. Last evaluated: 2025-10-15. Review status: criteria provided, single submitter. Criteria: Invitae Variant Classification Sherloc (09022015). Collection method: clinical testing. Allele origin: germline.
Comment: This sequence change replaces arginine, which is basic and polar, with cysteine, which is neutral and slightly polar, at codon 149 of the COL6A2 protein (p.Arg149Cys). The frequency data for this variant in the population databases is considered unreliable, as metrics indicate poor data quality at this position in the gnomAD database. This variant has not been reported in the literature in individuals affected with COL6A2-related conditions. ClinVar contains an entry for this variant (Variation ID: 3630733). Invitae Evidence Modeling of protein sequence and biophysical properties (such as structural, functional, and spatial information, amino acid conservation, physicochemical variation, residue mobility, and thermodynamic stability) indicates that this missense variant is not expected to disrupt COL6A2 protein function with a negative predictive value of 95%. In summary, the available evidence is currently insufficient to determine the role of this variant in disease. Therefore, it has been classified as a Variant of Uncertain Significance.

NM_001849.4(COL6A2):c.445C>T (p.Arg149Cys)

Gene: COL6A2 (collagen type VI alpha 2 chain; plus strand). Cytogenetic location: 21q22.3.
Variant type: single nucleotide variant.
Coding change: c.445C>T on transcript NM_001849.4 (MANE Select); coding-DNA position 445, C replaced by T.
Protein change: p.Arg149Cys; replaces arginine 149 with cysteine.
Molecular consequence: missense variant.
Genome position (GRCh38, 1-based): chr21:46,112,308, C>T. VCF-style: chr21-46112308-C-T. GRCh37 (hg19) VCF-style: chr21-47532222-C-T.
Other names: c.445C>T, p.Arg149Cys (NM_058174.3, NM_058175.3); short protein forms R149C.
Identifiers: ClinVar variation 3630733 (VCV003630733.2).